The following is an entry in ClinVar:

NM_002693.3(POLG):c.1024-11T>A

Gene: POLG (DNA polymerase gamma, catalytic subunit; minus strand). Cytogenetic location: 15q26.1.
Variant type: single nucleotide variant.
Coding change: c.1024-11T>A on transcript NM_002693.3 (MANE Select); 11 bases into the intron before coding-DNA position 1024, T replaced by A.
Molecular consequence: intron variant.
Genome position (GRCh38, 1-based): chr15:89,328,842, A>T on the plus strand (T>A on the coding strand, the complement: POLG is on the minus strand). VCF-style: chr15-89328842-A-T. GRCh37 (hg19) VCF-style: chr15-89872073-A-T.
Other names: c.1024-11T>A (NM_001126131.2).
Identifiers: ClinVar variation 1377519 (VCV001377519.10), dbSNP rs111879000, ClinGen allele CA274558539.

ClinVar aggregate classification (germline): Uncertain significance. Review status: criteria provided, multiple submitters, no conflicts (2 of 4 stars). 2 submissions from 2 submitters: Uncertain significance (2). Last evaluated 2026-03-21.

Conditions:
Progressive sclerosing poliodystrophy (MTDPS4A). Also called: NEURONAL DEGENERATION OF CHILDHOOD WITH LIVER DISEASE, PROGRESSIVE; ALPERS DIFFUSE DEGENERATION OF CEREBRAL GRAY MATTER WITH HEPATIC CIRRHOSIS; Alpers-Huttenlocher Syndrome; Mitochondrial DNA depletion syndrome 4A (Alpers type); Alpers-Huttenlocher Syndrome (AHS); ALPERS PROGRESSIVE INFANTILE POLIODYSTROPHY. Identifiers: Orphanet 726, MedGen C0205710, MONDO:0008758, OMIM 203700.

Allele frequency attached by ClinVar (database versions not stated): gnomAD 0.00001; TOPMed 0.00001.

Submissions (2):

GeneDx
Classification: Uncertain significance. Last evaluated: 2026-03-21. Review status: criteria provided, single submitter. Criteria: GeneDx Variant Classification Process June 2021. Collection method: clinical testing. Allele origin: germline.
Comment: Not observed at significant frequency in large population cohorts (gnomAD); In silico analysis supports a deleterious effect on splicing; Has not been previously published as pathogenic or benign to our knowledge

Labcorp Genetics (formerly Invitae), Labcorp
Classification: Uncertain significance for Progressive sclerosing poliodystrophy. Last evaluated: 2025-07-02. Review status: criteria provided, single submitter. Criteria: Invitae Variant Classification Sherloc (09022015). Collection method: clinical testing. Allele origin: germline.
Comment: This sequence change falls in intron 4 of the POLG gene. It does not directly change the encoded amino acid sequence of the POLG protein. This variant is not present in population databases (gnomAD no frequency). This variant has not been reported in the literature in individuals affected with POLG-related conditions. ClinVar contains an entry for this variant (Variation ID: 1377519). Algorithms developed to predict the effect of sequence changes on RNA splicing suggest that this variant may disrupt the consensus splice site. In summary, the available evidence is currently insufficient to determine the role of this variant in disease. Therefore, it has been classified as a Variant of Uncertain Significance.